The following is an entry in ClinVar:

ClinVar aggregate classification (germline): Uncertain significance. Review status: criteria provided, multiple submitters, no conflicts (2 of 4 stars). 4 submissions from 4 submitters: Uncertain significance (4). Last evaluated 2022-01-11.

Conditions:
Very long chain acyl-CoA dehydrogenase deficiency (ACADVLD). Also called: VLCAD Deficiency; Very Long-Chain Acyl-Coenzyme A Dehydrogenase Deficiency. Identifiers: Orphanet 26793, MedGen C3887523, MONDO:0008723, OMIM 201475.

Submissions (4):

Fulgent Genetics
Classification: Uncertain significance for Very long chain acyl-CoA dehydrogenase deficiency. Last evaluated: 2022-01-11. Review status: criteria provided, single submitter. Criteria: ACMG Guidelines, 2015. Collection method: clinical testing. Allele origin: unknown.

GeneDx
Classification: Uncertain significance. Last evaluated: 2021-09-27. Review status: criteria provided, single submitter. Criteria: GeneDx Variant Classification Process June 2021. Collection method: clinical testing. Allele origin: germline. Affected: yes.
Comment: Not observed at significant frequency in large population cohorts (Lek et al., 2016); In silico analysis supports that this missense variant has a deleterious effect on protein structure/function; Has not been previously published as pathogenic or benign to our knowledge

ARUP Laboratories, Molecular Genetics and Genomics, ARUP Laboratories
Classification: Uncertain significance for Very long chain acyl-CoA dehydrogenase deficiency. Last evaluated: 2020-04-08. Review status: criteria provided, single submitter. Criteria: ARUP Molecular Germline Variant Investigation Process. Collection method: clinical testing. Allele origin: germline.
Comment: The ACADVL c.1022G>C; p.Arg341Thr variant (rs1064793382), to our knowledge, is not reported in the medical literature but is reported in ClinVar (Variation ID: 418711). This variant is absent from general population databases (Exome Variant Server, Genome Aggregation Database), indicating it is not a common polymorphism. The arginine at codon 341 is highly conserved, and computational analyses (SIFT, PolyPhen-2) predict that this variant is deleterious. However, due to limited information, the clinical significance of the p.Arg341Thr variant is uncertain at this time.

Wong Mito Lab, Molecular and Human Genetics, Baylor College of Medicine
Classification: Uncertain significance for Very long chain acyl-CoA dehydrogenase deficiency. Last evaluated: 2019-11-01. Review status: criteria provided, single submitter. Criteria: ACMG Guidelines, 2015. Collection method: clinical testing. Allele origin: germline.
Comment: The NM_000018.3:c.1022G>C (NP_000009.1:p.Arg341Thr) [GRCH38: NC_000017.11:g.7222810G>C] variant in ACADVL gene is interpretated to be Uncertain Significance based on ACMG guidelines (PMID: 25741868). This variant has been reported. This variant meets the following evidence codes reported in the ACMG guidelines: PM1

NM_000018.4(ACADVL):c.1022G>C (p.Arg341Thr)

Gene: ACADVL (acyl-CoA dehydrogenase very long chain; plus strand). Cytogenetic location: 17p13.1.
Variant type: single nucleotide variant.
Coding change: c.1022G>C on transcript NM_000018.4 (MANE Select); coding-DNA position 1022, G replaced by C.
Protein change: p.Arg341Thr; replaces arginine 341 with threonine.
Molecular consequence: missense variant.
Genome position (GRCh38, 1-based): chr17:7,222,810, G>C. VCF-style: chr17-7222810-G-C. GRCh37 (hg19) VCF-style: chr17-7126129-G-C.
Other names: c.956G>C, p.Arg319Thr (NM_001033859.3); c.1091G>C, p.Arg364Thr (NM_001270447.2); c.794G>C, p.Arg265Thr (NM_001270448.2); short protein forms R341T, R319T, R265T, R364T.
Identifiers: ClinVar variation 418711 (VCV000418711.14), dbSNP rs1064793382, ClinGen allele CA16620600.
Genomic context (GRCh38, chr17:7,222,810, plus strand): 5'-ACGTGCTGGGTGAGGTTGGGAGTGGCTTCAAGGTTGCCATGCACATCCTCAACAATGGAA[G>C]GTTTGGCATGGCTGCGGCCCTGGCAGGTACCATGAGAGGCATCATTGCTAAGGCGGTGAG-3'
Protein context (NP_000009.1, residues 331-351): KVAMHILNNG[Arg341Thr]FGMAAALAGT